The following is an entry in ClinVar:

ClinVar aggregate classification (germline): Uncertain significance. Review status: criteria provided, single submitter (1 of 4 stars). 2 submissions from 2 submitters: Uncertain significance (1). 1 of the submissions does not count toward it. Last evaluated 2024-05-15.

Allele frequency attached by ClinVar (database versions not stated): gnomAD 0.00010; ExAC 0.00011; TOPMed 0.00011; ESP Exome Variant Server 0.00015; 1000 Genomes Project 30x 0.00016; 1000 Genomes Project 0.00020.
gnomAD v4.1: 79 of 1,611,358 alleles (0.0049%); highest among the groups gnomAD compares: Middle Eastern, 0.033%; no homozygotes.

Submissions (2):

Women's Health and Genetics/Laboratory Corporation of America, LabCorp
Classification: Uncertain significance. Last evaluated: 2024-05-15. Review status: criteria provided, single submitter. Criteria: LabCorp Variant Classification Summary - May 2015. Collection method: clinical testing. Allele origin: germline.
Comment: Variant summary: APPL1 c.1433G>A (p.Arg478His) results in a non-conservative amino acid change in the encoded protein sequence. Four of five in-silico tools predict a damaging effect of the variant on protein function. In addition, this variant disrupts the third nucleotide of exon 16, and therefore can affect splicing. Consensus agreement among computation tools predict no significant impact on normal splicing. However, these predictions have yet to be confirmed by functional studies. The variant allele was found at a frequency of 8.8e-05 in 249712 control chromosomes. The available data on variant occurrences in the general population are insufficient to allow any conclusion about variant significance. c.1433G>A has been reported in the literature as a variant of uncertain significance in at least one individual affected with Maturity-Onset Diabetes Of The Young (e.g., Santos-Monteiro_2023). These report(s) do not provide unequivocal conclusions about association of the variant with Maturity-Onset Diabetes Of The Young Type 14. To our knowledge, no experimental evidence demonstrating an impact on protein function has been reported. The following publication was ascertained in the context of this evaluation (PMID: 36208343). ClinVar contains an entry for this variant (Variation ID: 2443202). Based on the evidence outlined above, the variant was classified as uncertain significance.

Genetic Services Laboratory, University of Chicago
Classification: Uncertain significance. Last evaluated: 2022-11-12. Review status: no assertion criteria provided. Collection method: clinical testing. Allele origin: germline. Affected: no. Not counted in ClinVar's aggregate classification.
Comment: DNA sequence analysis of the APPL1 gene demonstrated a sequence change, c.1433G>A, in exon 16 that results in an amino acid change, p.Arg478His. This sequence change does not appear to have been previously described in individuals with APPL1-related disorders. This sequence change has been described in the gnomAD database with a frequency of 0.014% in the Latino subpopulation (dbSNP rs142763260). The p.Arg478His change affects a highly conserved amino acid residue located in a domain of the APPL1 protein that is not known to be functional. In-silico pathogenicity prediction tools (SIFT, PolyPhen2, Align GVGD, REVEL) provide contradictory results for the p.Arg478His substitution. Due to insufficient evidences and the lack of functional studies, the clinical significance of the p.Arg478His change remains unknown at this time

Literature cited by the submitters: PubMed 36208343 (cited by Women's Health and Genetics/Laboratory Corporation of America, LabCorp).

NM_012096.3(APPL1):c.1433G>A (p.Arg478His)

Gene: APPL1 (adaptor protein, phosphotyrosine interacting with PH domain and leucine zipper 1; plus strand). Cytogenetic location: 3p14.3.
Variant type: single nucleotide variant.
Coding change: c.1433G>A on transcript NM_012096.3 (MANE Select); coding-DNA position 1433, G replaced by A.
Protein change: p.Arg478His; replaces arginine 478 with histidine.
Molecular consequence: missense variant.
Genome position (GRCh38, 1-based): chr3:57,259,030, G>A. VCF-style: chr3-57259030-G-A. GRCh37 (hg19) VCF-style: chr3-57293058-G-A.
Other names: short protein forms R478H.
Identifiers: ClinVar variation 2443202 (VCV002443202.3), dbSNP rs142763260, ClinGen allele CA2463831.